The following is an entry in ClinVar:

NM_013372.7(GREM1):c.521A>G (p.Lys174Arg)

Gene: GREM1 (gremlin 1, DAN family BMP antagonist; plus strand). Cytogenetic location: 15q13.3.
Variant type: single nucleotide variant.
Coding change: c.521A>G on transcript NM_013372.7 (MANE Select); coding-DNA position 521, A replaced by G.
Protein change: p.Lys174Arg; replaces lysine 174 with arginine.
Molecular consequence: missense variant.
Genome position (GRCh38, 1-based): chr15:32,731,211, A>G. VCF-style: chr15-32731211-A-G. GRCh37 (hg19) VCF-style: chr15-33023412-A-G.
Other names: c.311A>G, p.Lys104Arg (NM_001191322.2); c.398A>G, p.Lys133Arg (NM_001191323.2); c.521A>G, p.Lys174Arg (NM_001368719.1); short protein forms K174R, K104R, K133R.
Identifiers: ClinVar variation 4991322 (VCV004991322.1).

ClinVar aggregate classification (germline): Uncertain significance (1 of 4 stars; one submission).

Conditions:
GREM1-related disorder. Also called: GREM1-related condition.

Submission:

PreventionGenetics, part of Exact Sciences
Classification: Uncertain significance for GREM1-related condition. Last evaluated: 2025-12-31. Review status: criteria provided, single submitter. Criteria: ACMG Guidelines, 2015. Collection method: clinical testing. Allele origin: germline.
Comment: The GREM1 c.521A>G variant is predicted to result in the amino acid substitution p.Lys174Arg. To our knowledge, this variant has not been reported in the literature or in a large population database (gnomAD), indicating this variant is rare. At this time, the clinical significance of this variant is uncertain due to the absence of conclusive functional and genetic evidence.